The following is an entry in ClinVar:

NM_207361.6(FREM2):c.3143A>G (p.Asn1048Ser)

Gene: FREM2 (FRAS1 related extracellular matrix 2; plus strand). Cytogenetic location: 13q13.3.
Variant type: single nucleotide variant.
Coding change: c.3143A>G on transcript NM_207361.6 (MANE Select); coding-DNA position 3143, A replaced by G.
Protein change: p.Asn1048Ser; replaces asparagine 1048 with serine.
Molecular consequence: missense variant.
Genome position (GRCh38, 1-based): chr13:38,690,487, A>G. VCF-style: chr13-38690487-A-G. GRCh37 (hg19) VCF-style: chr13-39264624-A-G.
Other names: c.3143A>G (NM_207361.5); short protein forms N1048S.
Identifiers: ClinVar variation 881023 (VCV000881023.12), dbSNP rs115192563, ClinGen allele CA6954743.

ClinVar aggregate classification (germline): Uncertain significance. Review status: criteria provided, multiple submitters, no conflicts (2 of 4 stars). 4 submissions from 4 submitters: Uncertain significance (4). Last evaluated 2026-08-18.

Conditions:
FREM2-related disorder. Also called: FREM2-related condition.
Isolated cryptophthalmia. Also called: ANKYLOBLEPHARON, SIMPLE; Cryptophthalmos, unilateral or bilateral, isolated. Identifiers: Orphanet 91396, MedGen C1852453, MONDO:0007410, OMIM 123570.
Fraser syndrome 2 (FRASRS2). Identifiers: MedGen C4540036, MONDO:0054738, OMIM 617666.

Allele frequency attached by ClinVar (database versions not stated): 1000 Genomes Project 30x 0.00047; 1000 Genomes Project 0.00060; ExAC 0.00006; gnomAD exomes 0.00006; TOPMed 0.00006; ESP Exome Variant Server 0.00008; gnomAD 0.00011 and 0.00012.
gnomAD v4.1: 62 of 1,614,218 alleles (0.0038%); highest among the groups gnomAD compares: African/African-American, 0.036%; no homozygotes.

Submissions (4):

PreventionGenetics, part of Exact Sciences
Classification: Uncertain significance for FREM2-related condition. Last evaluated: 2026-08-18. Review status: criteria provided, single submitter. Criteria: ACMG Guidelines, 2015. Collection method: clinical testing. Allele origin: germline.
Comment: The FREM2 c.3143A>G variant is predicted to result in the amino acid substitution p.Asn1048Ser. To our knowledge, this variant has not been reported in the literature. This variant is reported in 0.036% of alleles in individuals of African descent in gnomAD. At this time, the clinical significance of this variant is uncertain due to the absence of conclusive functional and genetic evidence.

Fulgent Genetics
Classification: Uncertain significance for Isolated cryptophthalmia; Fraser syndrome 2. Last evaluated: 2024-03-08. Review status: criteria provided, single submitter. Criteria: ACMG Guidelines, 2015. Collection method: clinical testing. Allele origin: germline.

Labcorp Genetics (formerly Invitae), Labcorp
Classification: Uncertain significance. Last evaluated: 2021-08-24. Review status: criteria provided, single submitter. Criteria: Invitae Variant Classification Sherloc (09022015). Collection method: clinical testing. Allele origin: germline.
Comment: This sequence change replaces asparagine with serine at codon 1048 of the FREM2 protein (p.Asn1048Ser). The asparagine residue is moderately conserved and there is a small physicochemical difference between asparagine and serine. This variant is present in population databases (rs115192563, ExAC 0.04%). This variant has not been reported in the literature in individuals affected with FREM2-related conditions. ClinVar contains an entry for this variant (Variation ID: 881023). Algorithms developed to predict the effect of missense changes on protein structure and function output the following: SIFT: "Tolerated"; PolyPhen-2: "Benign"; Align-GVGD: "Class C0". The serine amino acid residue is found in multiple mammalian species, which suggests that this missense change does not adversely affect protein function. In summary, the available evidence is currently insufficient to determine the role of this variant in disease. Therefore, it has been classified as a Variant of Uncertain Significance.

Illumina Laboratory Services, Illumina
Classification: Uncertain significance for Fraser syndrome 2. Last evaluated: 2018-01-12. Review status: criteria provided, single submitter. Criteria: ICSL Variant Classification Criteria 13 December 2019. Collection method: clinical testing. Allele origin: germline.